The following is an entry in ClinVar:

ClinVar aggregate classification (germline): Uncertain significance. Review status: criteria provided, multiple submitters, no conflicts (2 of 4 stars). 8 submissions from 8 submitters: Uncertain significance (8). Last evaluated 2025-10-29.

Conditions:
King Denborough syndrome (KDS). Identifiers: MedGen C1840365, MONDO:0020485, OMIM 619542.
Congenital myopathy with fiber type disproportion. Also called: Congenital fiber-type disproportion myopathy; Congenital fiber-type disproportion. Identifiers: Orphanet 2020, MedGen C0546264, MONDO:0009711. Inheritance: all.
Central core myopathy (CMYO1A). Also called: Central core disease; Myopathy, central fibrillar; CONGENITAL MYOPATHY 1A, AUTOSOMAL DOMINANT, WITH SUSCEPTIBILITY TO MALIGNANT HYPERTHERMIA. Identifiers: Orphanet 597, MedGen C5830701, MONDO:0007294, OMIM 117000.
Malignant hyperthermia, susceptibility to, 1 (MHS1). Also called: Anesthesia related hyperthermia; Malignant hyperpyrexia; Fulminating hyperpyrexia; Pharmacogenic myopathy; Malignant hyperthermia suceptibility 1; RYR1-Related Malignant Hyperthermia Susceptibility. Identifiers: Orphanet 423, MedGen C2930980, MONDO:0007783, OMIM 145600.
Congenital multicore myopathy with external ophthalmoplegia (CMYO1B). Also called: Minicore myopathy with external ophthalmoplegia; MULTICORE MYOPATHY; Congenital myopathy 1B, autosomal recessive; Minicore myopathy; MULTIMINICORE DISEASE WITH EXTERNAL OPHTHALMOPLEGIA. Identifiers: Orphanet 598, Orphanet 98905, MedGen C1850674, MONDO:0009712, OMIM 255320, HP:0003789.
RYR1-related disorder. Also called: RYR1-related condition; RYR1-related disorders. Identifiers: MedGen CN239331.
Inborn genetic diseases. Identifiers: MedGen C0950123, MeSH D030342.

Allele frequency attached by ClinVar (database versions not stated): ExAC 0.00001; gnomAD exomes 0.00002; TOPMed 0.00002; gnomAD 0.00004.
gnomAD v4.1: 37 of 1,613,870 alleles (0.0023%); highest among the groups gnomAD compares: African/African-American, 0.0053%; no homozygotes.

Submissions (8):

Ambry Genetics
Classification: Uncertain significance for Inborn genetic diseases. Last evaluated: 2025-10-29. Review status: criteria provided, single submitter. Criteria: Ambry Variant Classification Scheme 2023. Collection method: clinical testing. Allele origin: germline.

Women's Health and Genetics/Laboratory Corporation of America, LabCorp
Classification: Uncertain significance. Last evaluated: 2024-04-18. Review status: criteria provided, single submitter. Criteria: LabCorp Variant Classification Summary - May 2015. Collection method: clinical testing. Allele origin: germline.
Comment: Variant summary: RYR1 c.10577C>T (p.Ala3526Val) results in a non-conservative amino acid change in the encoded protein sequence. Three of four in-silico tools predict a damaging effect of the variant on protein function. The variant allele was found at a frequency of 2e-05 in 251200 control chromosomes (gnomAD v2.1). The available data on variant occurrences in the general population are insufficient to allow any conclusion about variant significance. To our knowledge, no occurrence of c.10577C>T in individuals affected with Myopathy, RYR1-Associated and no experimental evidence demonstrating its impact on protein function have been reported. ClinVar contains an entry for this variant (Variation ID: 478154). Based on the evidence outlined above, the variant was classified as uncertain significance.

GeneDx
Classification: Uncertain significance. Last evaluated: 2024-04-09. Review status: criteria provided, single submitter. Criteria: GeneDx Variant Classification Process June 2021. Collection method: clinical testing. Allele origin: germline. Affected: yes.
Comment: Not observed at significant frequency in large population cohorts (gnomAD); In silico analysis indicates that this missense variant does not alter protein structure/function; Has not been previously published as pathogenic or benign to our knowledge

Revvity Omics, Revvity
Classification: Uncertain significance. Last evaluated: 2024-03-06. Review status: criteria provided, single submitter. Criteria: ACMG Guidelines, 2015. Collection method: clinical testing. Allele origin: germline.

Color Diagnostics, LLC DBA Color Health
Classification: Uncertain significance for Malignant hyperthermia, susceptibility to, 1. Last evaluated: 2023-11-29. Review status: criteria provided, single submitter. Criteria: ACMG Guidelines, 2015. Collection method: clinical testing. Allele origin: germline.
Comment: This missense variant replaces alanine with valine at codon 3526 of the RYR1 protein. Computational prediction suggests that this variant may not impact protein structure and function. To our knowledge, functional studies have not been reported for this variant. This variant has not been reported in individuals affected with RYR1-related disorders in the literature. This variant has been identified in 6/282474 chromosomes in the general population by the Genome Aggregation Database (gnomAD). The available evidence is insufficient to determine the role of this variant in disease conclusively. Therefore, this variant is classified as a Variant of Uncertain Significance.

Labcorp Genetics (formerly Invitae), Labcorp
Classification: Uncertain significance for RYR1-related disorder. Last evaluated: 2022-05-21. Review status: criteria provided, single submitter. Criteria: Invitae Variant Classification Sherloc (09022015). Collection method: clinical testing. Allele origin: germline.
Comment: This sequence change replaces alanine, which is neutral and non-polar, with valine, which is neutral and non-polar, at codon 3526 of the RYR1 protein (p.Ala3526Val). This variant is present in population databases (rs374061380, gnomAD 0.005%). This variant has not been reported in the literature in individuals affected with RYR1-related conditions. ClinVar contains an entry for this variant (Variation ID: 478154). Advanced modeling of protein sequence and biophysical properties (such as structural, functional, and spatial information, amino acid conservation, physicochemical variation, residue mobility, and thermodynamic stability) performed at Invitae indicates that this missense variant is not expected to disrupt RYR1 protein function. In summary, the available evidence is currently insufficient to determine the role of this variant in disease. Therefore, it has been classified as a Variant of Uncertain Significance.

Fulgent Genetics
Classification: Uncertain significance for Central core myopathy; Malignant hyperthermia, susceptibility to, 1; Congenital myopathy 4A, autosomal dominant; Congenital multicore myopathy with external ophthalmoplegia; King Denborough syndrome. Last evaluated: 2021-10-11. Review status: criteria provided, single submitter. Criteria: ACMG Guidelines, 2015. Collection method: clinical testing. Allele origin: unknown.

Illumina Laboratory Services, Illumina
Classification: Uncertain significance for Central core myopathy. Last evaluated: 2019-03-05. Review status: criteria provided, single submitter. Criteria: ICSLVariantClassificationCriteria RUGD 01 April 2020. Collection method: clinical testing. Allele origin: unknown.
Comment: The RYR1 c.10562C>T (p.Ala3521Val) variant is a missense variant. A literature search was performed for the gene, cDNA change, and amino acid change. No publications were found based on this search. This variant is found at a frequency of 0.000031 in the European (Non-Finnish) population of the Genome Aggregation Database. Based on the limited evidence, the p.Ala3521Val variant is classified as a variant of uncertain significance for central core disease.

NM_000540.3(RYR1):c.10577C>T (p.Ala3526Val)

Gene: RYR1 (ryanodine receptor 1; plus strand). Cytogenetic location: 19q13.2.
Variant type: single nucleotide variant.
Coding change: c.10577C>T on transcript NM_000540.3 (MANE Select); coding-DNA position 10577, C replaced by T.
Protein change: p.Ala3526Val; replaces alanine 3526 with valine.
Molecular consequence: missense variant.
Genome position (GRCh38, 1-based): chr19:38,525,453, C>T. VCF-style: chr19-38525453-C-T. GRCh37 (hg19) VCF-style: chr19-39016093-C-T.
Other names: c.10562C>T, p.Ala3521Val (NM_001042723.2); short protein forms A3526V, A3521V.
Identifiers: ClinVar variation 478154 (VCV000478154.16), dbSNP rs374061380, ClinGen allele CA054013.